The following is an entry in ClinVar:

ClinVar aggregate classification (germline): Uncertain significance (1 of 4 stars; one submission).

Conditions:
Progressive myoclonic epilepsy type 5. Identifiers: Orphanet 402082, MedGen C5190799.

Submission:

Labcorp Genetics (formerly Invitae), Labcorp
Classification: Uncertain significance for Progressive myoclonic epilepsy type 5. Last evaluated: 2021-03-25. Review status: criteria provided, single submitter. Criteria: Invitae Variant Classification Sherloc (09022015). Collection method: clinical testing. Allele origin: germline.
Comment: Algorithms developed to predict the effect of missense changes on protein structure and function are either unavailable or do not agree on the potential impact of this missense change (SIFT: "Deleterious"; PolyPhen-2: "Benign"; Align-GVGD: "Class C0"). In summary, the available evidence is currently insufficient to determine the role of this variant in disease. Therefore, it has been classified as a Variant of Uncertain Significance. This variant has not been reported in the literature in individuals with PRICKLE2-related conditions. This variant is not present in population databases (ExAC no frequency). This sequence change replaces glycine with arginine at codon 825 of the PRICKLE2 protein (p.Gly825Arg). The glycine residue is highly conserved and there is a moderate physicochemical difference between glycine and arginine.

NM_198859.4(PRICKLE2):c.2473G>C (p.Gly825Arg)

Genes: PRICKLE2 (prickle planar cell polarity protein 2; minus strand), PRICKLE2-AS1 (PRICKLE2 antisense RNA 1; plus strand). Cytogenetic location: 3p14.1.
Variant type: single nucleotide variant.
Coding change: c.2473G>C on transcript NM_198859.4 (MANE Select); coding-DNA position 2473, G replaced by C.
Protein change: p.Gly825Arg; replaces glycine 825 with arginine.
Molecular consequence: missense variant. On other transcripts: non-coding transcript variant (1).
Genome position (GRCh38, 1-based): chr3:64,099,113, C>G on the plus strand (G>C on the coding strand, the complement: PRICKLE2 is on the minus strand). VCF-style: chr3-64099113-C-G. GRCh37 (hg19) VCF-style: chr3-64084789-C-G.
Other names: c.2473G>C, p.Gly825Arg (NM_001370528.1); short protein forms G825R.
Identifiers: ClinVar variation 1519607 (VCV001519607.8), dbSNP rs2106934728, ClinGen allele CA353425577.